The following is an entry in ClinVar:

NM_004218.4(RAB11B):c.430+6C>T

Gene: RAB11B (RAB11B, member RAS oncogene family; plus strand). Cytogenetic location: 19p13.2.
Variant type: single nucleotide variant.
Coding change: c.430+6C>T on transcript NM_004218.4 (MANE Select); 6 bases into the intron after coding-DNA position 430, C replaced by T.
Molecular consequence: intron variant.
Genome position (GRCh38, 1-based): chr19:8,402,285, C>T. VCF-style: chr19-8402285-C-T. GRCh37 (hg19) VCF-style: chr19-8467169-C-T.
Other names: c.430+6C>T (NM_004218.3).
Identifiers: ClinVar variation 1140298 (VCV001140298.12), dbSNP rs375449925, ClinGen allele CA9156356.
Genomic context (GRCh38, chr19:8,402,285, plus strand): 5'-AGTGACCTGCGCCACCTGCGGGCTGTGCCCACTGACGAGGCCCGCGCCTTCGCAGGTGAG[C>T]AGACGGAGACGCAGGCATCAGAGAGGTGTCTGGAAGGCAGGAGGCCCCTCACAGTGTTGG-3'

ClinVar aggregate classification (germline): Likely benign. Review status: criteria provided, multiple submitters, no conflicts (2 of 4 stars). 3 submissions from 3 submitters: Likely benign (2). 1 of the submissions does not count toward it. Last evaluated 2025-12-30.

Conditions:
Inborn genetic diseases. Identifiers: MedGen C0950123, MeSH D030342.
RAB11B-related disorder. Also called: RAB11B-related condition.

Allele frequency attached by ClinVar (database versions not stated): gnomAD exomes 0.00004 and 0.00010; ExAC 0.00022; ESP Exome Variant Server 0.00031; gnomAD 0.00038 and 0.00041; TOPMed 0.00051.
gnomAD v4.1: 126 of 1,549,872 alleles (0.0081%); highest among the groups gnomAD compares: African/African-American, 0.15%; no homozygotes.

Submissions (3):

Labcorp Genetics (formerly Invitae), Labcorp
Classification: Likely benign. Last evaluated: 2025-12-30. Review status: criteria provided, single submitter. Criteria: Invitae Variant Classification Sherloc (09022015). Collection method: clinical testing. Allele origin: germline.

Ambry Genetics
Classification: Likely benign for Inborn genetic diseases. Last evaluated: 2021-10-29. Review status: criteria provided, single submitter. Criteria: Ambry Variant Classification Scheme 2023. Collection method: clinical testing. Allele origin: germline.

PreventionGenetics, part of Exact Sciences
Classification: Likely benign for RAB11B-related condition. Last evaluated: 2024-02-02. Review status: no assertion criteria provided. Collection method: clinical testing. Allele origin: germline. Not counted in ClinVar's aggregate classification.
Comment: This variant is classified as likely benign based on ACMG/AMP sequence variant interpretation guidelines (Richards et al. 2015 PMID: 25741868, with internal and published modifications).